The following is an entry in ClinVar:

NM_004336.5(BUB1):c.625C>T (p.Arg209Ter)

Gene: BUB1 (BUB1 mitotic checkpoint serine/threonine kinase; minus strand). Cytogenetic location: 2q13.
Variant type: single nucleotide variant.
Coding change: c.625C>T on transcript NM_004336.5 (MANE Select); coding-DNA position 625, C replaced by T.
Protein change: p.Arg209Ter; replaces arginine 209 with a stop codon.
Molecular consequence: nonsense.
Genome position (GRCh38, 1-based): chr2:110,667,701, G>A on the plus strand (C>T on the coding strand, the complement: BUB1 is on the minus strand). VCF-style: chr2-110667701-G-A. GRCh37 (hg19) VCF-style: chr2-111425278-G-A.
Other names: c.565C>T, p.Arg189Ter (NM_001278616.2); c.625C>T, p.Arg209Ter (NM_001278617.2); short protein forms R189*, R209*.
Identifiers: ClinVar variation 3628486 (VCV003628486.2).

ClinVar aggregate classification (germline): Uncertain significance (1 of 4 stars; one submission).

Submission:

Labcorp Genetics (formerly Invitae), Labcorp
Classification: Uncertain significance. Last evaluated: 2024-02-18. Review status: criteria provided, single submitter. Criteria: Invitae Variant Classification Sherloc (09022015). Collection method: clinical testing. Allele origin: germline.
Comment: This sequence change creates a premature translational stop signal (p.Arg209*) in the BUB1 gene. It is expected to result in an absent or disrupted protein product. However, the current clinical and genetic evidence is not sufficient to establish whether loss-of-function variants in BUB1 cause disease. This variant is present in population databases (rs770034113, gnomAD 0.004%). This variant has not been reported in the literature in individuals affected with BUB1-related conditions. In summary, the available evidence is currently insufficient to determine the role of this variant in disease. Therefore, it has been classified as a Variant of Uncertain Significance.